The following is an entry in ClinVar:

ClinVar aggregate classification (germline): Conflicting classifications of pathogenicity. Review status: criteria provided, conflicting classifications (1 of 4 stars). 2 submissions from 2 submitters: Uncertain significance (1); Likely benign (1). Last evaluated 2025-04-04.

Conditions:
Inborn genetic diseases. Identifiers: MedGen C0950123, MeSH D030342.
3-methylglutaconic aciduria with deafness, encephalopathy, and Leigh-like syndrome (MEGDEL). Also called: 3-METHYLGLUTACONIC ACIDURIA, TYPE VI; SERAC1 Deficiency; MEGDEL syndrome. Identifiers: Orphanet 352328, MedGen C4040739, MONDO:0013875, OMIM 614739.

Allele frequency attached by ClinVar (database versions not stated): TOPMed 0.00001; gnomAD exomes 0.00002; ExAC 0.00001; gnomAD 0.00001.
gnomAD v4.1: 23 of 1,613,496 alleles (0.0014%); highest among the groups gnomAD compares: South Asian, 0.0022%; no homozygotes.

Submissions (2):

Ambry Genetics
Classification: Likely benign for Inborn genetic diseases. Last evaluated: 2025-04-04. Review status: criteria provided, single submitter. Criteria: Ambry Variant Classification Scheme 2023. Collection method: clinical testing. Allele origin: germline.

Labcorp Genetics (formerly Invitae), Labcorp
Classification: Uncertain significance for 3-methylglutaconic aciduria with deafness, encephalopathy, and Leigh-like syndrome. Last evaluated: 2024-10-25. Review status: criteria provided, single submitter. Criteria: Invitae Variant Classification Sherloc (09022015). Collection method: clinical testing. Allele origin: germline.
Comment: This sequence change replaces threonine, which is neutral and polar, with alanine, which is neutral and non-polar, at codon 513 of the SERAC1 protein (p.Thr513Ala). This variant is present in population databases (rs201367107, gnomAD 0.004%). This variant has not been reported in the literature in individuals affected with SERAC1-related conditions. ClinVar contains an entry for this variant (Variation ID: 1406661). Invitae Evidence Modeling of protein sequence and biophysical properties (such as structural, functional, and spatial information, amino acid conservation, physicochemical variation, residue mobility, and thermodynamic stability) indicates that this missense variant is not expected to disrupt SERAC1 protein function with a negative predictive value of 80%. In summary, the available evidence is currently insufficient to determine the role of this variant in disease. Therefore, it has been classified as a Variant of Uncertain Significance.

Literature cited by the submitters: PubMed 36413997 (cited by Ambry Genetics).

NM_032861.4(SERAC1):c.1537A>G (p.Thr513Ala)

Gene: SERAC1 (serine active site containing 1; minus strand). Cytogenetic location: 6q25.3.
Variant type: single nucleotide variant.
Coding change: c.1537A>G on transcript NM_032861.4 (MANE Select); coding-DNA position 1537, A replaced by G.
Protein change: p.Thr513Ala; replaces threonine 513 with alanine.
Molecular consequence: missense variant. On other transcripts: non-coding transcript variant (1).
Genome position (GRCh38, 1-based): chr6:158,114,936, T>C on the plus strand (A>G on the coding strand, the complement: SERAC1 is on the minus strand). VCF-style: chr6-158114936-T-C. GRCh37 (hg19) VCF-style: chr6-158535968-T-C.
Other names: c.1537A>G (NM_032861.3); short protein forms T513A.
Identifiers: ClinVar variation 1406661 (VCV001406661.8), dbSNP rs201367107, ClinGen allele CA4071025.